The following is an entry in ClinVar:

ClinVar aggregate classification (germline): Pathogenic (1 of 4 stars; one submission).

Submission:

Labcorp Genetics (formerly Invitae), Labcorp
Classification: Pathogenic. Last evaluated: 2023-03-08. Review status: criteria provided, single submitter. Criteria: Invitae Variant Classification Sherloc (09022015). Collection method: clinical testing. Allele origin: germline.
Comment: This sequence change creates a premature translational stop signal (p.Leu399Phefs*13) in the PHEX gene. It is expected to result in an absent or disrupted protein product. Loss-of-function variants in PHEX are known to be pathogenic (PMID: 9097956, 9106524, 19219621). This variant is not present in population databases (gnomAD no frequency). This variant has not been reported in the literature in individuals affected with PHEX-related conditions. For these reasons, this variant has been classified as Pathogenic.

Literature cited by the submitters: PubMed 9097956; PubMed 9106524; PubMed 19219621.

NM_000444.6(PHEX):c.1196dup (p.Leu399fs)

Gene: PHEX (phosphate regulating endopeptidase X-linked; plus strand). Cytogenetic location: Xp22.11.
Variant type: Duplication.
Coding change: c.1196dup on transcript NM_000444.6 (MANE Select); coding-DNA position 1196, one base duplicated (T; older notation c.1196dupT).
Protein change: p.Leu399fs; shifts the reading frame from leucine 399.
Molecular consequence: frameshift variant.
Genome position (GRCh38, 1-based): chrX:22,114,480, T duplicated; the last of 3 consecutive T bases (chrX:22,114,478-22,114,480); duplicating any one gives the same sequence. VCF-style (leftmost placement, unchanged base first): chrX-22114477-C-CT. GRCh37 (hg19) VCF-style: chrX-22132595-C-CT.
Other names: c.1196dup, p.Leu399fs (NM_001282754.2); short protein forms L399fs.
Identifiers: ClinVar variation 2842017 (VCV002842017.3), dbSNP rs2518520486, ClinGen allele CA2739268113.